The following is an entry in ClinVar:

ClinVar aggregate classification (germline): Uncertain significance (1 of 4 stars; one submission).

Conditions:
Arrhythmogenic cardiomyopathy with wooly hair and keratoderma. Also called: Carvajal syndrome; PALMOPLANTAR KERATODERMA WITH LEFT VENTRICULAR CARDIOMYOPATHY AND WOOLLY HAIR; Dilated cardiomyopathy with woolly hair and keratoderma; Arrhythmogenic cardiomyopathy with woolly hair and keratoderma. Identifiers: Orphanet 65282, MedGen C1854063, MONDO:0011581, OMIM 605676.

Submission:

All of Us Research Program, National Institutes of Health
Classification: Uncertain significance for Arrhythmogenic cardiomyopathy with wooly hair and keratoderma. Last evaluated: 2024-04-16. Review status: criteria provided, single submitter. Criteria: ACMG Guidelines, 2015. Collection method: clinical testing. Allele origin: germline. Inheritance: Autosomal dominant inheritance. Observed: 1 variant allele, 1 heterozygote.
Comment: This missense variant replaces valine with leucine at codon 797 of the DSP protein. Computational prediction suggests that this variant may not impact protein structure and function (internally defined REVEL score threshold <= 0.5, PMID: 27666373). To our knowledge, functional studies have not been reported for this variant. This variant has not been reported in individuals affected with DSP-related disorders in the literature. This variant has not been identified in the general population by the Genome Aggregation Database (gnomAD). The available evidence is insufficient to determine the role of this variant in disease conclusively. Therefore, this variant is classified as a Variant of Uncertain Significance.

This study involves interpretation of variants in research participants for the purpose of population health screening. Participant phenotype was not available at the time of variant classification. Additional details can be found in publication PMID: 35346344, PMCID: PMC8962531

NM_004415.4(DSP):c.2389G>C (p.Val797Leu)

Gene: DSP (desmoplakin; plus strand). Cytogenetic location: 6p24.3.
Variant type: single nucleotide variant.
Coding change: c.2389G>C on transcript NM_004415.4 (MANE Select); coding-DNA position 2389, G replaced by C.
Protein change: p.Val797Leu; replaces valine 797 with leucine.
Molecular consequence: missense variant.
Genome position (GRCh38, 1-based): chr6:7,574,748, G>C. VCF-style: chr6-7574748-G-C. GRCh37 (hg19) VCF-style: chr6-7574981-G-C.
Other names: c.2389G>C, p.Val797Leu (NM_001008844.3, NM_001319034.2); short protein forms V797L.
Identifiers: ClinVar variation 3386644 (VCV003386644.1).